The following is an entry in ClinVar:

NM_000552.5(VWF):c.4247T>A (p.Ile1416Asn)

Gene: VWF (von Willebrand factor; minus strand). Cytogenetic location: 12p13.31.
Variant type: single nucleotide variant.
Coding change: c.4247T>A on transcript NM_000552.5 (MANE Select); coding-DNA position 4247, T replaced by A.
Protein change: p.Ile1416Asn; replaces isoleucine 1416 with asparagine.
Molecular consequence: missense variant.
Genome position (GRCh38, 1-based): chr12:6,019,171, A>T on the plus strand (T>A on the coding strand, the complement: VWF is on the minus strand). VCF-style: chr12-6019171-A-T. GRCh37 (hg19) VCF-style: chr12-6128337-A-T.
Other names: p.Ile1416Asn; c.4247T>A (NM_000552.4); short protein forms I1416N.
Identifiers: ClinVar variation 100344 (VCV000100344.11), dbSNP rs61750081, ClinGen allele CA228569.
Genomic context (GRCh38, chr12:6,019,171, plus strand): 5'-TTGTTCTCAGGGGCCTGCTTCTCGATGAGGCGGATCTGCTTGAGGTTGGCATGGGGCCCA[A>T]TGCCCACCGGGATCACAATGACCTTCTTCTTCTTCAGGCCCTGGACGTAGCGGACAAAGT-3'
Protein context (NP_000543.3, residues 1406-1426): KKKVIVIPVG[Ile1416Asn]GPHANLKQIR

ClinVar aggregate classification (germline): Pathogenic/Likely pathogenic. Review status: criteria provided, multiple submitters, no conflicts (2 of 4 stars). 8 submissions from 8 submitters: Pathogenic (3); Likely pathogenic (3). 2 of the submissions do not count toward it. Last evaluated 2026-03-30.

Conditions:
von Willebrand disorder (VWD). Also called: von Willebrand's disease; Von Willebrand disease (hereditary or acquired); von Willebrand Diseases. Identifiers: MedGen C0042974, MeSH D014842, MONDO:0024574.
VWF-related disorder. Also called: VWF-related disorders; VWF-related condition.
von Willebrand disease type 2 (VWD2). Also called: VON WILLEBRAND DISEASE, TYPE 2A/IIE; VON WILLEBRAND DISEASE, TYPE 2CB; VON WILLEBRAND DISEASE, TYPE II; VWD, TYPE 2. Identifiers: Orphanet 166081, Orphanet 903, MedGen C1264040, MONDO:0013304, OMIM 613554.
Hereditary von Willebrand disease. Identifiers: Orphanet 903, MedGen C5703318, MONDO:0019565. Inheritance: Autosomal recessive or Autosomal dominant.

gnomAD v4.1: 3 of 1,613,870 alleles (0.00019%); highest among the groups gnomAD compares: Non-Finnish European, 0.00025%; no homozygotes.

Submissions (8):

Women's Health and Genetics/Laboratory Corporation of America, LabCorp
Classification: Likely pathogenic for von Willebrand disorder. Last evaluated: 2026-03-30. Review status: criteria provided, single submitter. Criteria: LabCorp Variant Classification Summary - May 2015. Collection method: clinical testing. Allele origin: germline.
Comment: Variant summary: VWF c.4247T>A (p.Ile1416Asn) results in a non-conservative amino acid change in the encoded protein sequence. Algorithms developed to predict the effect of missense changes on protein structure and function all suggest that this variant is likely to be disruptive. The variant was absent in 251152 control chromosomes. c.4247T>A has been observed in individual(s) affected with dominant Von Willebrand Disease. These data indicate that the variant is likely to be associated with disease. A different variant affecting the same codon has been classified as pathogenic by our lab (c.4247T>C, p.Ile1416Thr), supporting the critical relevance of codon 1416 to VWF protein function. To our knowledge, no experimental evidence demonstrating an impact on protein function has been reported. The following publications have been ascertained in the context of this evaluation (PMID: 16985174, 26986123, 33556167, 35452508). ClinVar contains an entry for this variant (Variation ID: 100344). Based on the evidence outlined above, the variant was classified as likely pathogenic.

PreventionGenetics, part of Exact Sciences
Classification: Likely pathogenic for VWF-related condition. Last evaluated: 2025-10-22. Review status: criteria provided, single submitter. Criteria: ACMG Guidelines, 2015. Collection method: clinical testing. Allele origin: germline.
Comment: The VWF c.4247T>A variant is predicted to result in the amino acid substitution p.Ile1416Asn. This variant has been reported in individuals with Von Willebrand disease type 1 and type 2M and has been shown to segregate with disease (Goodeve et al. 2007. PubMed ID: 16985174; McKinnon et al. 2012. PubMed ID: 22537243; Downes et al. 2019. PubMed ID: 31064749; Sadler et al. 2021. PubMed ID: 33556167; Millar et al. 2008. PubMed ID: 18449422). A GP1b binding assay in HEK293T cells showed that the p.Ile1416Asn variant leads to significantly decreased GPIbα binding (McKinnon et al. 2012. PubMed ID: 22537243). An alternate missense change at the same amino acid position (p.Ile1416Thr) has been reported in individuals and families affected with Von Willebrand disease (McKinnon et al. 2012. PubMed ID: 22537243; Starke et al. 2013. PubMed ID: 23355534). This variant has not been reported in a large population database (gnomAD), indicating this variant is rare. This variant is interpreted as likely pathogenic.

Mayo Clinic Laboratories, Mayo Clinic
Classification: Pathogenic. Last evaluated: 2025-10-01. Review status: criteria provided, single submitter. Criteria: ACMG Guidelines, 2015. Collection method: clinical testing. Allele origin: germline. Observed: 2 variant alleles.
Comment: PP1, PP3, PM2_supporting, PM5, PS3, PS4

Laboratory of Genetics, Children's Clinical University Hospital Latvia
Classification: Pathogenic. Last evaluated: 2025-02-16. Review status: criteria provided, single submitter. Criteria: ACMG Guidelines, 2015. Collection method: clinical testing. Allele origin: germline. Affected: yes.

Blueprint Genetics
Classification: Pathogenic for VWF-related disorders. Last evaluated: 2024-11-25. Review status: criteria provided, single submitter. Criteria: ACMG Guidelines, 2015. Collection method: clinical testing. Allele origin: germline. Affected: yes. Observed: 3 variant alleles.

NIHR Bioresource Rare Diseases, University of Cambridge
Classification: Likely pathogenic for von Willebrand disorder. Last evaluated: 2019-02-01. Review status: criteria provided, single submitter. Criteria: ACMG Guidelines, 2015. Collection method: research. Allele origin: unknown. Affected: yes. Observed: 1 heterozygote. Study: ThromboGenomics.

Angelo Bianchi Bonomi Hemophilia and Thrombosis Center, Fondazione IRCCS Ca Granda Ospedale Maggiore Policlinico
Classification: Likely pathogenic for von Willebrand disease type 2. Last evaluated: 2022-04-26. Review status: no assertion criteria provided. Collection method: clinical testing. Allele origin: germline. Affected: yes. Not counted in ClinVar's aggregate classification.

Academic Unit of Haematology, University of Sheffield
No classification provided. Review status: no classification provided. Collection method: not provided. Allele origin: not provided. Not counted in ClinVar's aggregate classification.

Literature cited by the submitters: PubMed 16985174 (cited by Women's Health and Genetics/Laboratory Corporation of America, LabCorp and Mayo Clinic Laboratories, Mayo Clinic); PubMed 26986123 (cited by Women's Health and Genetics/Laboratory Corporation of America, LabCorp and Mayo Clinic Laboratories, Mayo Clinic); PubMed 33556167 (cited by Women's Health and Genetics/Laboratory Corporation of America, LabCorp); PubMed 35452508 (cited by Women's Health and Genetics/Laboratory Corporation of America, LabCorp); PubMed 18449422 (cited by Mayo Clinic Laboratories, Mayo Clinic); PubMed 22102197 (cited by Mayo Clinic Laboratories, Mayo Clinic); PubMed 22537243 (cited by Mayo Clinic Laboratories, Mayo Clinic); PubMed 31064749 (cited by NIHR Bioresource Rare Diseases, University of Cambridge).